The following is an entry in ClinVar:

NM_198525.3(KIF7):c.3840G>A (p.Ser1280=)

Gene: KIF7 (kinesin family member 7; minus strand). Cytogenetic location: 15q26.1.
Variant type: single nucleotide variant.
Coding change: c.3840G>A on transcript NM_198525.3 (MANE Select); coding-DNA position 3840, G replaced by A.
Protein change: p.Ser1280=; no amino-acid change (serine 1280 retained).
Molecular consequence: synonymous variant.
Genome position (GRCh38, 1-based): chr15:89,628,611, C>T on the plus strand (G>A on the coding strand, the complement: KIF7 is on the minus strand). VCF-style: chr15-89628611-C-T. GRCh37 (hg19) VCF-style: chr15-90171842-C-T.
Identifiers: ClinVar variation 1649559 (VCV001649559.10), dbSNP rs530450447, ClinGen allele CA7727509.

ClinVar aggregate classification (germline): Likely benign. Review status: criteria provided, multiple submitters, no conflicts (2 of 4 stars). 2 submissions from 2 submitters: Likely benign (2). Last evaluated 2026-06-01.

Conditions:
Acrocallosal syndrome (ACLS). Also called: Schinzel syndrome 1; Absence of corpus callosum with unusual facial appearance, mental deficiency, duplication of the halluces and polydactyly; HALLUX DUPLICATION, POSTAXIAL POLYDACTYLY, AND ABSENCE OF CORPUS CALLOSUM. Identifiers: Orphanet 36, MedGen C0796147, MONDO:0008708, OMIM 200990.

Allele frequency attached by ClinVar (database versions not stated): ExAC 0.00002; gnomAD exomes 0.00003; 1000 Genomes Project 30x 0.00016; 1000 Genomes Project 0.00020.
gnomAD v4.1: 15 of 1,613,444 alleles (0.00093%); highest among the groups gnomAD compares: Middle Eastern, 0.016%; no homozygotes.

Submissions (2):

CeGaT Center for Human Genetics Tuebingen
Classification: Likely benign. Last evaluated: 2026-06-01. Review status: criteria provided, single submitter. Criteria: CeGaT Center For Human Genetics Tuebingen Variant Classification Criteria Version 2. Collection method: clinical testing. Allele origin: germline. Affected: yes. Observed: 1 variant allele.
Comment: KIF7: BP4, BP7

Labcorp Genetics (formerly Invitae), Labcorp
Classification: Likely benign for Acrocallosal syndrome. Last evaluated: 2025-12-02. Review status: criteria provided, single submitter. Criteria: Invitae Variant Classification Sherloc (09022015). Collection method: clinical testing. Allele origin: germline.